The following is an entry in ClinVar:

NM_001348716.2(KDM6B):c.1542_1554dup (p.Leu519fs)

Gene: KDM6B (lysine demethylase 6B; plus strand). Cytogenetic location: 17p13.1.
Variant type: Duplication.
Coding change: c.1542_1554dup on transcript NM_001348716.2 (MANE Select); coding-DNA positions 1542 to 1554, 13 bases duplicated (TGCCCCACCACCC).
Protein change: p.Leu519fs; shifts the reading frame from leucine 519.
Molecular consequence: frameshift variant.
Genome position (GRCh38, 1-based): chr17:7,847,830-7,847,842, TGCCCCACCACCC duplicated; duplicating any 13 consecutive bases within chr17:7,847,827-7,847,842 gives the same sequence; the c. name uses the placement nearest the transcript's 3' end. VCF-style (leftmost placement, unchanged base first): chr17-7847826-G-GCCCTGCCCCACCA. GRCh37 (hg19) VCF-style: chr17-7751144-G-GCCCTGCCCCACCA.
Other names: c.1542_1554dup, p.Leu519fs (NM_001080424.2); short protein forms L519fs.
Identifiers: ClinVar variation 3235162 (VCV003235162.1), dbSNP rs2544525230.
Genomic context (GRCh38, chr17:7,847,826, plus strand): 5'-CAGCCCGAGAGGATGGAGAGATCTTAGAAGAGCTCTTCTTTGGGACTGAGGGACCCCCCC[G>GCCCTGCCCCACCA]CCCTGCCCCACCACCCCTCCCCCATCGCGAGGGCTTCTTGGGGCCTCCGGCCTCCCGCTT-3'

ClinVar aggregate classification (germline): Likely pathogenic (1 of 4 stars; one submission).

Conditions:
Neurodevelopmental disorder with coarse facies and mild distal skeletal abnormalities. Also called: STOLERMAN NEURODEVELOPMENTAL SYNDROME. Identifiers: MedGen C5193134, MONDO:0032790, OMIM 618505.

Submission:

MVZ Medizinische Genetik Mainz
Classification: Likely pathogenic for Neurodevelopmental disorder with coarse facies and mild distal skeletal abnormalities. Last evaluated: 2022-10-12. Review status: criteria provided, single submitter. Criteria: UK Practice Guidelines For Variant Classification V4 01 2020. Collection method: clinical testing. Allele origin: germline. Inheritance: Autosomal dominant inheritance. Affected: yes. Observed: 1 variant allele.
Comment: ACMG Criteria: PVS1, PM2_SUP (ACMG Version 4)